The following is an entry in ClinVar:

NM_001082538.3(TCTN1):c.1639A>G (p.Asn547Asp)

Gene: TCTN1 (tectonic family member 1; plus strand). Cytogenetic location: 12q24.11.
Variant type: single nucleotide variant.
Coding change: c.1639A>G on transcript NM_001082538.3 (MANE Select); coding-DNA position 1639, A replaced by G.
Protein change: p.Asn547Asp; replaces asparagine 547 with aspartic acid.
Molecular consequence: missense variant. On other transcripts: non-coding transcript variant (1).
Genome position (GRCh38, 1-based): chr12:110,647,752, A>G. VCF-style: chr12-110647752-A-G. GRCh37 (hg19) VCF-style: chr12-111085557-A-G.
Other names: c.1624A>G, p.Asn542Asp (NM_001082537.3); c.1456A>G, p.Asn486Asp (NM_001173975.3); c.1312A>G, p.Asn438Asp (NM_001173976.2); c.1477A>G, p.Asn493Asp (NM_001319680.2); c.1090A>G, p.Asn364Asp (NM_001319681.2); c.1582A>G, p.Asn528Asp (NM_024549.6); c.1639A>G (NM_001082538.2); short protein forms N364D, N486D, N493D, N542D, N438D, N528D, N547D.
Identifiers: ClinVar variation 2187933 (VCV002187933.2), dbSNP rs2067457405, ClinGen allele CA386695637.
Genomic context (GRCh38, chr12:110,647,752, plus strand): 5'-GTTGTCATTCTGGGAGCACACTGGAGGGTGGGCCTTGCATCTCTCTGTTTATTACAGGCC[A>G]ACTCAGGAAATGAAAGGACGATTCTTATTTCCACTGCGGTTACTTTTGTGGATGTGTCTG-3'
Protein context (NP_001076007.1, residues 537-557): NLISSSFPEA[Asn547Asp]SGNERTILIS

ClinVar aggregate classification (germline): Uncertain significance. Review status: criteria provided, multiple submitters, no conflicts (2 of 4 stars). 2 submissions from 2 submitters: Uncertain significance (2). Last evaluated 2025-08-23.

Conditions:
Joubert syndrome. Also called: CEREBELLOPARENCHYMAL DISORDER IV; JOUBERT-BOLTSHAUSER SYNDROME; Familial aplasia of the vermis. Identifiers: Orphanet 475, MedGen C5979921, MONDO:0018772.
Meckel-Gruber syndrome. Also called: DYSENCEPHALIA SPLANCHNOCYSTICA; GRUBER SYNDROME; Dysencephalia splachnocystica. Identifiers: Orphanet 564, MedGen C0265215, MONDO:0018921.
Inborn genetic diseases. Identifiers: MedGen C0950123, MeSH D030342.

Allele frequency attached by ClinVar (database versions not stated): gnomAD exomes below 0.00001; TOPMed 0.00002.
gnomAD v4.1: 1 of 1,614,202 alleles (0.000062%); highest among the groups gnomAD compares: Admixed American, 0.0017%; no homozygotes.

Submissions (2):

Ambry Genetics
Classification: Uncertain significance for Inborn genetic diseases. Last evaluated: 2025-08-23. Review status: criteria provided, single submitter. Criteria: Ambry Variant Classification Scheme 2023. Collection method: clinical testing. Allele origin: germline.

Labcorp Genetics (formerly Invitae), Labcorp
Classification: Uncertain significance for Joubert syndrome; Meckel-Gruber syndrome. Last evaluated: 2022-06-15. Review status: criteria provided, single submitter. Criteria: Invitae Variant Classification Sherloc (09022015). Collection method: clinical testing. Allele origin: germline.
Comment: This sequence change replaces asparagine, which is neutral and polar, with aspartic acid, which is acidic and polar, at codon 547 of the TCTN1 protein (p.Asn547Asp). This variant is not present in population databases (gnomAD no frequency). This variant has not been reported in the literature in individuals affected with TCTN1-related conditions. Algorithms developed to predict the effect of missense changes on protein structure and function output the following: SIFT: "Tolerated"; PolyPhen-2: "Benign"; Align-GVGD: "Class C0". The aspartic acid amino acid residue is found in multiple mammalian species, which suggests that this missense change does not adversely affect protein function. In summary, the available evidence is currently insufficient to determine the role of this variant in disease. Therefore, it has been classified as a Variant of Uncertain Significance.